The following is an entry in ClinVar:

NM_016151.4(TAOK2):c.967G>A (p.Gly323Ser)

Gene: TAOK2 (TAO kinase 2; plus strand). Cytogenetic location: 16p11.2.
Variant type: single nucleotide variant.
Coding change: c.967G>A on transcript NM_016151.4 (MANE Select); coding-DNA position 967, G replaced by A.
Protein change: p.Gly323Ser; replaces glycine 323 with serine.
Molecular consequence: missense variant.
Genome position (GRCh38, 1-based): chr16:29,982,869, G>A. VCF-style: chr16-29982869-G-A. GRCh37 (hg19) VCF-style: chr16-29994190-G-A.
Other names: c.967G>A, p.Gly323Ser (NM_001252043.2, NM_004783.4); short protein forms G323S.
Identifiers: ClinVar variation 3622129 (VCV003622129.2).

ClinVar aggregate classification (germline): Uncertain significance (1 of 4 stars; one submission).

gnomAD v4.1: 11 of 1,614,036 alleles (0.00068%); highest among the groups gnomAD compares: African/African-American, 0.0067%; no homozygotes.

Submission:

Labcorp Genetics (formerly Invitae), Labcorp
Classification: Uncertain significance. Last evaluated: 2024-04-11. Review status: criteria provided, single submitter. Criteria: Invitae Variant Classification Sherloc (09022015). Collection method: clinical testing. Allele origin: germline.
Comment: This sequence change replaces glycine, which is neutral and non-polar, with serine, which is neutral and polar, at codon 323 of the TAOK2 protein (p.Gly323Ser). This variant is present in population databases (rs575152450, gnomAD 0.007%). This variant has not been reported in the literature in individuals affected with TAOK2-related conditions. An algorithm developed to predict the effect of missense changes on protein structure and function (PolyPhen-2) suggests that this variant is likely to be disruptive. In summary, the available evidence is currently insufficient to determine the role of this variant in disease. Therefore, it has been classified as a Variant of Uncertain Significance.